The following is an entry in ClinVar:

NM_001379200.1(TBX1):c.1183C>A (p.Pro395Thr)

Gene: TBX1 (T-box transcription factor 1; plus strand). Cytogenetic location: 22q11.21.
Variant type: single nucleotide variant.
Coding change: c.1183C>A on transcript NM_001379200.1 (MANE Select); coding-DNA position 1183, C replaced by A.
Protein change: p.Pro395Thr; replaces proline 395 with threonine.
Molecular consequence: missense variant. On other transcripts: intron variant (2).
Genome position (GRCh38, 1-based): chr22:19,766,535, C>A. VCF-style: chr22-19766535-C-A. GRCh37 (hg19) VCF-style: chr22-19754058-C-A.
Other names: c.1156C>A, p.Pro386Thr (NM_080647.1); c.1009+533C>A (NM_005992.1, NM_080646.2); short protein forms P386T, P395T.
Identifiers: ClinVar variation 4181188 (VCV004181188.1).

ClinVar aggregate classification (germline): Uncertain significance (1 of 4 stars; one submission).

Conditions:
Cardiovascular phenotype. Identifiers: MedGen CN230736.

Submission:

Ambry Genetics
Classification: Uncertain significance for Cardiovascular phenotype. Last evaluated: 2025-06-15. Review status: criteria provided, single submitter. Criteria: Ambry Variant Classification Scheme 2023. Collection method: clinical testing. Allele origin: germline.
Comment: The p.P386T variant (also known as c.1156C>A), located in coding exon 8 of the TBX1 gene, results from a C to A substitution at nucleotide position 1156. The proline at codon 386 is replaced by threonine, an amino acid with highly similar properties. This amino acid position is conserved. In addition, this alteration is predicted to be tolerated by in silico analysis. Based on the available evidence, the clinical significance of this variant remains unclear.